The following continues an entry in ClinVar:

NM_012123.4(MTO1):c.1918-7T>G

Gene: MTO1. ClinVar aggregate classification (germline): Benign. Benign (2).

Submissions 31 to 45 of 45:

Dr. Peter K. Rogan Lab, Western University
No classification provided (evidence only). Condition: Cervical cancer. Review status: no classification provided. Collection method: in vitro. Allele origin: not applicable. Functional consequence: retained intron. Not counted in ClinVar's aggregate classification.

Dr. Peter K. Rogan Lab, Western University
No classification provided (evidence only). Condition: Cervical cancer. Review status: no classification provided. Collection method: in vitro. Allele origin: not applicable. Functional consequence: retained intron. Not counted in ClinVar's aggregate classification.

Dr. Peter K. Rogan Lab, Western University
No classification provided (evidence only). Condition: Cervical cancer. Review status: no classification provided. Collection method: in vitro. Allele origin: not applicable. Functional consequence: retained intron. Not counted in ClinVar's aggregate classification.

Dr. Peter K. Rogan Lab, Western University
No classification provided (evidence only). Condition: Sarcoma. Review status: no classification provided. Collection method: in vitro. Allele origin: not applicable. Functional consequence: retained intron. Not counted in ClinVar's aggregate classification.

Dr. Peter K. Rogan Lab, Western University
No classification provided (evidence only). Condition: Thymoma. Review status: no classification provided. Collection method: in vitro. Allele origin: not applicable. Functional consequence: retained intron. Not counted in ClinVar's aggregate classification.

Dr. Peter K. Rogan Lab, Western University
No classification provided (evidence only). Condition: Thymoma. Review status: no classification provided. Collection method: in vitro. Allele origin: not applicable. Functional consequence: retained intron. Not counted in ClinVar's aggregate classification.

Dr. Peter K. Rogan Lab, Western University
No classification provided (evidence only). Condition: Cholangiocarcinoma. Review status: no classification provided. Collection method: in vitro. Allele origin: not applicable. Functional consequence: retained intron. Not counted in ClinVar's aggregate classification.

Dr. Peter K. Rogan Lab, Western University
No classification provided (evidence only). Condition: Ovarian serous cystadenocarcinoma. Review status: no classification provided. Collection method: in vitro. Allele origin: not applicable. Functional consequence: retained intron. Not counted in ClinVar's aggregate classification.

Dr. Peter K. Rogan Lab, Western University
No classification provided (evidence only). Condition: Ovarian serous cystadenocarcinoma. Review status: no classification provided. Collection method: in vitro. Allele origin: not applicable. Functional consequence: retained intron. Not counted in ClinVar's aggregate classification.

Dr. Peter K. Rogan Lab, Western University
No classification provided (evidence only). Condition: Ovarian serous cystadenocarcinoma. Review status: no classification provided. Collection method: in vitro. Allele origin: not applicable. Functional consequence: retained intron. Not counted in ClinVar's aggregate classification.

Dr. Peter K. Rogan Lab, Western University
No classification provided (evidence only). Condition: Gastric cancer. Review status: no classification provided. Collection method: in vitro. Allele origin: not applicable. Functional consequence: retained intron. Not counted in ClinVar's aggregate classification.

Dr. Peter K. Rogan Lab, Western University
No classification provided (evidence only). Condition: Gastric cancer. Review status: no classification provided. Collection method: in vitro. Allele origin: not applicable. Functional consequence: retained intron. Not counted in ClinVar's aggregate classification.

Dr. Peter K. Rogan Lab, Western University
No classification provided (evidence only). Condition: Uterine carcinosarcoma. Review status: no classification provided. Collection method: in vitro. Allele origin: not applicable. Functional consequence: retained intron. Not counted in ClinVar's aggregate classification.

Dr. Peter K. Rogan Lab, Western University
No classification provided (evidence only). Condition: Malignant tumor of esophagus. Review status: no classification provided. Collection method: in vitro. Allele origin: not applicable. Functional consequence: retained intron. Not counted in ClinVar's aggregate classification.

Dr. Peter K. Rogan Lab, Western University
No classification provided (evidence only). Condition: Malignant tumor of esophagus. Review status: no classification provided. Collection method: in vitro. Allele origin: not applicable. Functional consequence: retained intron. Not counted in ClinVar's aggregate classification.